The following is an entry in ClinVar:

ClinVar aggregate classification (germline): Likely pathogenic. Review status: criteria provided, single submitter (1 of 4 stars). 2 submissions from 2 submitters: Likely pathogenic (1). 1 of the submissions does not count toward it. Last evaluated 2022-06-14.

Conditions:
PEX6-related disorder. Also called: PEX6-related condition; PEX6-related disorders.
Heimler syndrome 2 (HMLR2). Also called: PEROXISOME BIOGENESIS DISORDER 4C. Identifiers: Orphanet 3220, MedGen C4225267, OMIM 616617, MONDO:0014709.

Submissions (2):

Baylor Genetics
Classification: Likely pathogenic for Heimler syndrome 2. Last evaluated: 2022-06-14. Review status: criteria provided, single submitter. Criteria: ACMG Guidelines, 2015. Collection method: clinical testing. Allele origin: unknown.

PreventionGenetics, part of Exact Sciences
Classification: Likely pathogenic for PEX6-related condition. Last evaluated: 2024-04-12. Review status: no assertion criteria provided. Collection method: clinical testing. Allele origin: germline. Not counted in ClinVar's aggregate classification.
Comment: The PEX6 c.1373_1380del8 variant is predicted to result in a frameshift and premature protein termination (p.Ala458Aspfs*4). This variant has been reported in a study of carrier frequency in autosomal recessive disorders (Hanany et al. 2020. PubMed ID: 31964843. Table S3). This variant is reported in 0.0029% of alleles in individuals of Latino descent in gnomAD. Frameshift variants in PEX6 are expected to be pathogenic. This variant is interpreted as likely pathogenic.

NM_000287.4(PEX6):c.1373_1380del (p.Ala458fs)

Gene: PEX6 (peroxisomal biogenesis factor 6; minus strand). Cytogenetic location: 6p21.1.
Variant type: Deletion.
Coding change: c.1373_1380del on transcript NM_000287.4 (MANE Select); coding-DNA positions 1373 to 1380, 8 bases deleted (CCCTGCTG; older notation c.1373_1380delCCCTGCTG).
Protein change: p.Ala458fs; shifts the reading frame from alanine 458.
Molecular consequence: frameshift variant. On other transcripts: non-coding transcript variant (1).
Genome position (GRCh38, 1-based): chr6:42,968,973-42,968,980, CAGCAGGG deleted on the plus strand (CCCTGCTG on the coding strand, the reverse complement: PEX6 is on the minus strand); deleting any 8 consecutive bases within chr6:42,968,973-42,968,982 gives the same sequence; the c. name uses the placement nearest the transcript's 3' end. VCF-style (leftmost placement, unchanged base first): chr6-42968972-TCAGCAGGG-T. GRCh37 (hg19) VCF-style: chr6-42936710-TCAGCAGGG-T.
Other names: c.1109_1116del, p.Ala370fs (NM_001316313.2); c.1373_1380del8 (NM_000287.3); short protein forms A370fs, A458fs.
Identifiers: ClinVar variation 2677714 (VCV002677714.2), dbSNP rs1160151083, ClinGen allele CA566786806.